The following is an entry in ClinVar:

ClinVar aggregate classification (germline): Uncertain significance. Review status: criteria provided, multiple submitters, no conflicts (2 of 4 stars). 2 submissions from 2 submitters: Uncertain significance (2). Last evaluated 2025-08-29.

Conditions:
Episodic ataxia type 2 (EA2). Also called: ACETAZOLAMIDE-RESPONSIVE HEREDITARY PAROXYSMAL CEREBELLAR ATAXIA; EPISODIC ATAXIA, NYSTAGMUS-ASSOCIATED; ATAXIA, EPISODIC, WITH NYSTAGMUS; ATAXIA, FAMILIAL PAROXYSMAL; CEREBELLAR ATAXIA, PAROXYSMAL, ACETAZOLAMIDE-RESPONSIVE; CEREBELLOPATHY, HEREDITARY PAROXYSMAL. Identifiers: Orphanet 97, MedGen C1720416, MONDO:0007163, OMIM 108500.
Developmental and epileptic encephalopathy, 42 (DEE42A). Also called: DEVELOPMENTAL AND EPILEPTIC ENCEPHALOPATHY 42A; EPILEPTIC ENCEPHALOPATHY, EARLY INFANTILE, 42A; Epileptic encephalopathy, early infantile, 42. Identifiers: MedGen C4310716, MONDO:0014917, OMIM 617106.

Allele frequency attached by ClinVar (database versions not stated): gnomAD 0.00001; gnomAD exomes 0.00001; TOPMed 0.00001.
gnomAD v4.1: 7 of 1,385,674 alleles (0.00051%); highest among the groups gnomAD compares: Admixed American, 0.0033%; no homozygotes.

Submissions (2):

Labcorp Genetics (formerly Invitae), Labcorp
Classification: Uncertain significance for Developmental and epileptic encephalopathy, 42; Episodic ataxia type 2. Last evaluated: 2025-08-29. Review status: criteria provided, single submitter. Criteria: Invitae Variant Classification Sherloc (09022015). Collection method: clinical testing. Allele origin: germline.
Comment: This sequence change replaces aspartic acid, which is acidic and polar, with asparagine, which is neutral and polar, at codon 2138 of the CACNA1A protein (p.Asp2138Asn). This variant is not present in population databases (gnomAD no frequency). This variant has not been reported in the literature in individuals affected with CACNA1A-related conditions. ClinVar contains an entry for this variant (Variation ID: 1188407). Invitae Evidence Modeling of protein sequence and biophysical properties (such as structural, functional, and spatial information, amino acid conservation, physicochemical variation, residue mobility, and thermodynamic stability) indicates that this missense variant is not expected to disrupt CACNA1A protein function with a negative predictive value of 95%. In summary, the available evidence is currently insufficient to determine the role of this variant in disease. Therefore, it has been classified as a Variant of Uncertain Significance.

GeneDx
Classification: Uncertain significance. Last evaluated: 2023-07-24. Review status: criteria provided, single submitter. Criteria: GeneDx Variant Classification Process June 2021. Collection method: clinical testing. Allele origin: germline. Affected: yes.
Comment: Not observed at significant frequency in large population cohorts (gnomAD); In silico analysis supports that this missense variant has a deleterious effect on protein structure/function; Has not been previously published as pathogenic or benign to our knowledge

NM_001127222.2(CACNA1A):c.6409G>A (p.Asp2137Asn)

Gene: CACNA1A (calcium voltage-gated channel subunit alpha1 A; minus strand). Cytogenetic location: 19p13.13.
Variant type: single nucleotide variant.
Coding change: c.6409G>A on transcript NM_001127222.2 (MANE Select); coding-DNA position 6409, G replaced by A.
Protein change: p.Asp2137Asn; replaces aspartic acid 2137 with asparagine.
Molecular consequence: missense variant.
Genome position (GRCh38, 1-based): chr19:13,209,429, C>T on the plus strand (G>A on the coding strand, the complement: CACNA1A is on the minus strand). VCF-style: chr19-13209429-C-T. GRCh37 (hg19) VCF-style: chr19-13320243-C-T.
Other names: c.6427G>A, p.Asp2143Asn (NM_000068.4, NM_023035.3); c.6412G>A, p.Asp2138Asn (NM_001127221.2); c.6418G>A, p.Asp2140Asn (NM_001174080.2); short protein forms D2137N, D2138N, D2140N, D2143N.
Identifiers: ClinVar variation 1188407 (VCV001188407.6), dbSNP rs755880731, ClinGen allele CA9239366.